The following is an entry in ClinVar:

NM_005378.6(MYCN):c.904C>G (p.Arg302Gly)

Gene: MYCN (MYCN proto-oncogene, bHLH transcription factor; plus strand). Cytogenetic location: 2p24.3.
Variant type: single nucleotide variant.
Coding change: c.904C>G on transcript NM_005378.6 (MANE Select); coding-DNA position 904, C replaced by G.
Protein change: p.Arg302Gly; replaces arginine 302 with glycine.
Molecular consequence: missense variant. On other transcripts: 3 prime UTR variant (1).
Genome position (GRCh38, 1-based): chr2:15,945,606, C>G. VCF-style: chr2-15945606-C-G. GRCh37 (hg19) VCF-style: chr2-16085728-C-G.
Other names: c.904C>G, p.Arg302Gly (NM_001293228.2); c.271C>G, p.Arg91Gly (NM_001293231.2); c.*839C>G (NM_001293233.2); short protein forms R302G, R91G.
Identifiers: ClinVar variation 3718276 (VCV003718276.2).

ClinVar aggregate classification (germline): Uncertain significance (1 of 4 stars; one submission).

gnomAD v4.1: 47 of 1,614,016 alleles (0.0029%); highest among the groups gnomAD compares: Admixed American, 0.058%; 1 homozygote.

Submission:

Labcorp Genetics (formerly Invitae), Labcorp
Classification: Uncertain significance. Last evaluated: 2024-10-16. Review status: criteria provided, single submitter. Criteria: Invitae Variant Classification Sherloc (09022015). Collection method: clinical testing. Allele origin: germline.
Comment: This sequence change replaces arginine, which is basic and polar, with glycine, which is neutral and non-polar, at codon 302 of the MYCN protein (p.Arg302Gly). This variant is present in population databases (rs144939456, gnomAD 0.009%). This variant has not been reported in the literature in individuals affected with MYCN-related conditions. Invitae Evidence Modeling of protein sequence and biophysical properties (such as structural, functional, and spatial information, amino acid conservation, physicochemical variation, residue mobility, and thermodynamic stability) indicates that this missense variant is not expected to disrupt MYCN protein function with a negative predictive value of 95%. In summary, the available evidence is currently insufficient to determine the role of this variant in disease. Therefore, it has been classified as a Variant of Uncertain Significance.